The following is an entry in ClinVar:

NM_181523.3(PIK3R1):c.343C>T (p.Leu115Phe)

Gene: PIK3R1 (phosphoinositide-3-kinase regulatory subunit 1; plus strand). Cytogenetic location: 5q13.1.
Variant type: single nucleotide variant.
Coding change: c.343C>T on transcript NM_181523.3 (MANE Select); coding-DNA position 343, C replaced by T.
Protein change: p.Leu115Phe; replaces leucine 115 with phenylalanine.
Molecular consequence: missense variant.
Genome position (GRCh38, 1-based): chr5:68,273,398, C>T. VCF-style: chr5-68273398-C-T. GRCh37 (hg19) VCF-style: chr5-67569226-C-T.
Other names: short protein forms L115F.
Identifiers: ClinVar variation 1436159 (VCV001436159.8), dbSNP rs763574306, ClinGen allele CA3289997.

ClinVar aggregate classification (germline): Uncertain significance (1 of 4 stars; one submission).

Conditions:
Immunodeficiency 36 with lymphoproliferation. Also called: ACTIVATED PI3K-DELTA SYNDROME 2; Immunodeficiency 36; Activated PI3K Delta Syndrome Type 2 (APDS2). Identifiers: Orphanet 397596, Orphanet 693681, MedGen C4014934, MONDO:0014453, OMIM 616005.
SHORT syndrome. Also called: LIPODYSTROPHY, PARTIAL, WITH RIEGER ANOMALY AND SHORT STATURE; PIK3R1-Related SHORT Syndrome; SHORT STATURE, HYPEREXTENSIBILITY, HERNIA, OCULAR DEPRESSION, RIEGER ANOMALY, AND TEETHING DELAY. Identifiers: Orphanet 3163, MedGen C0878684, MONDO:0010026, OMIM 269880.
Agammaglobulinemia 7, autosomal recessive (AGM7). Also called: AGAMMAGLOBULINEMIA, AUTOSOMAL RECESSIVE, DUE TO PIK3R1 DEFECT. Identifiers: MedGen C3554689, MONDO:0014083, OMIM 615214.

Allele frequency attached by ClinVar (database versions not stated): ExAC 0.00002.
gnomAD v4.1: 15 of 1,613,904 alleles (0.00093%); highest among the groups gnomAD compares: Middle Eastern, 0.033%; no homozygotes.

Submission:

Labcorp Genetics (formerly Invitae), Labcorp
Classification: Uncertain significance for SHORT syndrome; Immunodeficiency 36 with lymphoproliferation; Agammaglobulinemia 7, autosomal recessive. Last evaluated: 2024-05-22. Review status: criteria provided, single submitter. Criteria: Invitae Variant Classification Sherloc (09022015). Collection method: clinical testing. Allele origin: germline.
Comment: This sequence change replaces leucine, which is neutral and non-polar, with phenylalanine, which is neutral and non-polar, at codon 115 of the PIK3R1 protein (p.Leu115Phe). This variant is present in population databases (rs763574306, gnomAD 0.01%). This variant has not been reported in the literature in individuals affected with PIK3R1-related conditions. ClinVar contains an entry for this variant (Variation ID: 1436159). Advanced modeling of protein sequence and biophysical properties (such as structural, functional, and spatial information, amino acid conservation, physicochemical variation, residue mobility, and thermodynamic stability) performed at Invitae indicates that this missense variant is not expected to disrupt PIK3R1 protein function with a negative predictive value of 80%. In summary, the available evidence is currently insufficient to determine the role of this variant in disease. Therefore, it has been classified as a Variant of Uncertain Significance.